The following is an entry in ClinVar:

ClinVar aggregate classification (germline): Benign (1 of 4 stars; one submission).

Conditions:
Neuropathy, hereditary sensory and autonomic, type 1C. Also called: HSAN IC; HSN IC. Identifiers: Orphanet 36386, MedGen C3150896, MONDO:0013337, OMIM 613640.

Allele frequency attached by ClinVar (database versions not stated): gnomAD 0.01156 and 0.01241; 1000 Genomes Project 0.01298; TOPMed 0.01304; 1000 Genomes Project 30x 0.01390.

Submission:

Illumina Laboratory Services, Illumina
Classification: Benign for Neuropathy, hereditary sensory and autonomic, type 1C. Last evaluated: 2018-01-13. Review status: criteria provided, single submitter. Criteria: ICSL Variant Classification Criteria 13 December 2019. Collection method: clinical testing. Allele origin: germline.
Comment: This variant was observed in the ICSL laboratory as part of a predisposition screen in an ostensibly healthy population. It had not been previously curated by ICSL or reported in the Human Gene Mutation Database (HGMD: prior to June 1st, 2018), and was therefore a candidate for classification through an automated scoring system. Utilizing variant allele frequency, disease prevalence and penetrance estimates, and inheritance mode, an automated score was calculated to assess if this variant is too frequent to cause the disease. Based on the score and internal cut-off values, a variant classified as benign is not then subjected to further curation. The score for this variant resulted in a classification of benign for this disease.

NM_004863.4(SPTLC2):c.*4431G>T

Gene: SPTLC2 (serine palmitoyltransferase long chain base subunit 2; minus strand). Cytogenetic location: 14q24.3.
Variant type: single nucleotide variant.
Coding change: c.*4431G>T on transcript NM_004863.4 (MANE Select); 4431 bases downstream of the stop codon, G replaced by T.
Molecular consequence: 3 prime UTR variant.
Genome position (GRCh38, 1-based): chr14:77,507,853, C>A on the plus strand (G>T on the coding strand, the complement: SPTLC2 is on the minus strand). VCF-style: chr14-77507853-C-A. GRCh37 (hg19) VCF-style: chr14-77974196-C-A.
Identifiers: ClinVar variation 314590 (VCV000314590.5), dbSNP rs75823402, ClinGen allele CA10645055.